The following is an entry in ClinVar:

ClinVar aggregate classification (germline): Uncertain significance (1 of 4 stars; one submission).

Conditions:
Cardioencephalomyopathy, fatal infantile, due to cytochrome c oxidase deficiency 1 (MC4DN2). Also called: CYTOCHROME c OXIDASE DEFICIENCY, FATAL INFANTILE, WITH CARDIOENCEPHALOMYOPATHY; MITOCHONDRIAL COMPLEX IV DEFICIENCY, NUCLEAR TYPE 2. Identifiers: Orphanet 1561, MedGen C5399977, MONDO:0011451, OMIM 604377.

Submission:

Myriad Genetics, Inc.
Classification: Uncertain significance for Cardioencephalomyopathy, fatal infantile, due to cytochrome c oxidase deficiency 1. Last evaluated: 2026-05-01. Review status: criteria provided, single submitter. Criteria: Myriad Autosomal Dominant, Autosomal Recessive and X-Linked Classification Criteria (2023). Collection method: clinical testing. Allele origin: unknown.
Comment: NM_005138.2(SCO2):c.711_712ins26(T238Cfs*7) is a frameshift variant classified as a variant of uncertain significance in the context of mitochondrial complex IV deficiency, SCO2-related. T238Cfs*7 has not been observed in cases with relevant disease. Relevant functional assessments of this variant are not available in the literature. T238Cfs*7 has not been observed in referenced population frequency databases. In summary, there is insufficient evidence to classify NM_005138.2(SCO2):c.711_712ins26(T238Cfs*7) as pathogenic or benign. Please note: this variant was assessed in the context of healthy population screening.

NM_005138.3(SCO2):c.711_712insTGCATGTTCACAGGCTCCTGACCTTC (p.Thr238delinsCysMetPheThrGlySerTer)

Genes: NCAPH2 (non-SMC condensin II complex subunit H2; plus strand), SCO2 (synthesis of cytochrome C oxidase 2; minus strand). Cytogenetic location: 22q13.33.
Variant type: Insertion.
Coding change: c.711_712insTGCATGTTCACAGGCTCCTGACCTTC on transcript NM_005138.3 (MANE Select); coding-DNA positions 711 to 712, TGCATGTTCACAGGCTCCTGACCTTC inserted.
Protein change: p.Thr238delinsCysMetPheThrGlySerTer.
Molecular consequence: nonsense. On other transcripts: 3 prime UTR variant (2).
Genome position: GRCh38 VCF-style: chr22-50523700-T-TGAAGGTCAGGAGCCTGTGAACATGCA. GRCh37 (hg19) VCF-style: chr22-50962129-T-TGAAGGTCAGGAGCCTGTGAACATGCA.
Other names: c.*329_*330insGTCAGGAGCCTGTGAACATGCAGAAG (NM_001185011.2, NM_152299.4); c.711_712insTGCATGTTCACAGGCTCCTGACCTTC, p.Thr238delinsCysMetPheThrGlySerTer (NM_001169109.2, NM_001169110.1, NM_001169111.2).
Identifiers: ClinVar variation 5004636 (VCV005004636.1).
Genomic context (GRCh38, chr22:50,523,700, plus strand): 5'-TGTGCCGCCGCACACTGTCTGAGATCTGCTCAGCCGATCTGCTCCGGCCGTAGTAATCCG[T>TGAAGGTCAGGAGCCTGTGAACATGCA]GAAGAGGCCGTCAGGGTTGAGCAGGTAGATGGCAATGGAGTGGTCCACGATGTAGTCCTG-3'